The following is an entry in ClinVar:

NM_000443.4(ABCB4):c.1135_1136insAA (p.Ser379fs)

Gene: ABCB4 (ATP binding cassette subfamily B member 4; minus strand). Cytogenetic location: 7q21.12.
Variant type: Insertion.
Coding change: c.1135_1136insAA on transcript NM_000443.4 (MANE Select); coding-DNA positions 1135 to 1136, AA inserted.
Protein change: p.Ser379fs; shifts the reading frame from serine 379.
Molecular consequence: frameshift variant.
Genome position: GRCh38 VCF-style: chr7-87443757-C-CTT. GRCh37 (hg19) VCF-style: chr7-87073073-C-CTT.
Other names: c.1135_1136insAA, p.Ser379fs (NM_018849.3, NM_018850.3); short protein forms S379fs.
Identifiers: ClinVar variation 4846621 (VCV004846621.1).

ClinVar aggregate classification (germline): Pathogenic (1 of 4 stars; one submission).

Conditions:
Familial intrahepatic cholestasis. Identifiers: Orphanet 284385, MedGen CN296401, MONDO:0017290.

Submission:

Genomenon, Inc
Classification: Pathogenic for Familial intrahepatic cholestasis. Last evaluated: 2026-04-14. Review status: criteria provided, single submitter. Criteria: Genomenon Sequence Variant Interpretation Standards - Updated. Collection method: curation. Allele origin: germline. Affected: yes.
Comment: ABCB4 p.Ser379LysfsTer35 (c.1135_1136insAA) is a frameshift variant that results in the production of a truncated protein which is predicted to undergo nonsense-mediated mRNA decay. This variant has been observed in at least one proband with an ABCB4-related disorder (PMID:21119540). It is absent or not present at a significant frequency in gnomAD. In conclusion, we classify ABCB4 p.Ser379LysfsTer35 (c.1135_1136insAA) as a pathogenic variant.

Literature cited by the submitters: PubMed 21119540.